The following is an entry in ClinVar:

ClinVar aggregate classification (germline): Uncertain significance (1 of 4 stars; one submission).

Conditions:
Hereditary breast ovarian cancer syndrome. Also called: Hereditary breast and ovarian cancer syndrome; Hereditary breast and ovarian cancer syndrome (HBOC); Hereditary breast and/or ovarian cancer syndrome; Hereditary breast and ovarian cancer; Breast and ovarian cancer; BRCA1- and BRCA2-Associated Hereditary Breast and Ovarian Cancer. Identifiers: Orphanet 145, MedGen C0677776, MeSH D061325, MONDO:0003582. Disease mechanism: loss of function.

Submission:

Labcorp Genetics (formerly Invitae), Labcorp
Classification: Uncertain significance for Hereditary breast ovarian cancer syndrome. Last evaluated: 2024-04-22. Review status: criteria provided, single submitter. Criteria: Invitae Variant Classification Sherloc (09022015). Collection method: clinical testing. Allele origin: germline.
Comment: This sequence change falls in intron 17 of the BRCA1 gene. It does not directly change the encoded amino acid sequence of the BRCA1 protein. This variant is not present in population databases (gnomAD no frequency). This variant has not been reported in the literature in individuals affected with BRCA1-related conditions. Experimental studies and prediction algorithms are not available or were not evaluated, and the effect of this variant on mRNA splicing is currently unknown. In summary, the available evidence is currently insufficient to determine the role of this variant in disease. Therefore, it has been classified as a Variant of Uncertain Significance.

NM_007294.4(BRCA1):c.5103_5152+14dup

Gene: BRCA1 (BRCA1 DNA repair associated; minus strand). Cytogenetic location: 17q21.31.
Variant type: Duplication.
Coding change: c.5103_5152+14dup on transcript NM_007294.4 (MANE Select); coding-DNA position 5103 through 14 bases into the intron after coding-DNA position 5152, 64 bases duplicated.
Molecular consequence: splice donor variant. On other transcripts: intron variant (2).
Genome position (GRCh38, 1-based): chr17:43,063,860-43,063,923, 64 bases duplicated. GRCh37 (hg19): chr17:41,215,880-41,215,943.
Other names: c.4956_5005+14dup (NM_001407850.1, NM_001407848.1, NM_001407839.1 and 12 more transcripts); c.4959_5008+14dup (NM_001407752.1, NM_001407944.1, NM_001407734.1 and 21 more transcripts); c.4962_5011+14dup (NM_001407730.1, NM_001407692.1, NM_001407728.1 and 13 more transcripts); c.4833_4882+14dup (NM_001407934.1, NM_001407935.1, NM_001407936.1); c.1530_1579+14dup (NM_001408497.1, NM_001408498.1, NM_001408501.1 and 3 more transcripts); c.1794_1843+14dup (NM_001407973.1, NM_001407976.1, NM_001407974.1 and 3 more transcripts); c.5103_5152+14dup (NM_001407596.1, NM_001407603.1, NM_001407854.1 and 7 more transcripts); c.1410_1459+14dup (NM_001408511.1); and 73 more.
Identifiers: ClinVar variation 2709512 (VCV002709512.3), dbSNP rs2549465529, ClinGen allele CA2697559912.